The following is an entry in ClinVar:

NM_006265.3(RAD21):c.1375A>C (p.Ser459Arg)

Gene: RAD21 (RAD21 cohesin complex component; minus strand). Cytogenetic location: 8q24.11.
Variant type: single nucleotide variant.
Coding change: c.1375A>C on transcript NM_006265.3 (MANE Select); coding-DNA position 1375, A replaced by C.
Protein change: p.Ser459Arg; replaces serine 459 with arginine.
Molecular consequence: missense variant.
Genome position (GRCh38, 1-based): chr8:116,852,043, T>G on the plus strand (A>C on the coding strand, the complement: RAD21 is on the minus strand). VCF-style: chr8-116852043-T-G. GRCh37 (hg19) VCF-style: chr8-117864282-T-G.
Other names: short protein forms S459R.
Identifiers: ClinVar variation 3661225 (VCV003661225.2).

ClinVar aggregate classification (germline): Uncertain significance (1 of 4 stars; one submission).

Conditions:
Cornelia de Lange syndrome 4 (CDLS4). Also called: RAD21-Related Cornelia de Lange Syndrome; CORNELIA DE LANGE SYNDROME 4 WITH OR WITHOUT MIDLINE BRAIN DEFECTS. Identifiers: Orphanet 199, MedGen C3553517, MONDO:0013864, OMIM 614701.

Submission:

Labcorp Genetics (formerly Invitae), Labcorp
Classification: Uncertain significance for Cornelia de Lange syndrome 4. Last evaluated: 2024-08-02. Review status: criteria provided, single submitter. Criteria: Invitae Variant Classification Sherloc (09022015). Collection method: clinical testing. Allele origin: germline.
Comment: This sequence change replaces serine, which is neutral and polar, with arginine, which is basic and polar, at codon 459 of the RAD21 protein (p.Ser459Arg). This variant is not present in population databases (gnomAD no frequency). This variant has not been reported in the literature in individuals affected with RAD21-related conditions. Advanced modeling of protein sequence and biophysical properties (such as structural, functional, and spatial information, amino acid conservation, physicochemical variation, residue mobility, and thermodynamic stability) performed at Invitae indicates that this missense variant is not expected to disrupt RAD21 protein function with a negative predictive value of 80%. In summary, the available evidence is currently insufficient to determine the role of this variant in disease. Therefore, it has been classified as a Variant of Uncertain Significance.